The following is an entry in ClinVar:

NM_003036.4(SKI):c.173C>T (p.Ala58Val)

Gene: SKI (SKI proto-oncogene; plus strand). Cytogenetic location: 1p36.33.
Variant type: single nucleotide variant.
Coding change: c.173C>T on transcript NM_003036.4 (MANE Select); coding-DNA position 173, C replaced by T.
Protein change: p.Ala58Val; replaces alanine 58 with valine.
Molecular consequence: missense variant.
Genome position (GRCh38, 1-based): chr1:2,228,939, C>T. VCF-style: chr1-2228939-C-T. GRCh37 (hg19) VCF-style: chr1-2160378-C-T.
Other names: short protein forms A58V.
Identifiers: ClinVar variation 1694482 (VCV001694482.31), dbSNP rs1638564960, ClinGen allele CA337952248.

ClinVar aggregate classification (germline): Uncertain significance (1 of 4 stars; one submission).

Submission:

CeGaT Center for Human Genetics Tuebingen
Classification: Uncertain significance. Last evaluated: 2022-06-01. Review status: criteria provided, single submitter. Criteria: CeGaT Center For Human Genetics Tuebingen Variant Classification Criteria Version 2. Collection method: clinical testing. Allele origin: germline. Affected: yes. Observed: 1 variant allele.
Comment: SKI: PM2, PP2, PP3